The following is an entry in ClinVar:

ClinVar aggregate classification (germline): Uncertain significance (1 of 4 stars; one submission).

Conditions:
CRLF1-related disorder. Also called: CRLF1-related condition.

Submission:

PreventionGenetics, part of Exact Sciences
Classification: Uncertain significance for CRLF1-related condition. Last evaluated: 2024-12-19. Review status: criteria provided, single submitter. Criteria: ACMG Guidelines, 2015. Collection method: clinical testing. Allele origin: germline.
Comment: The CRLF1 c.1004C>G variant is predicted to result in the amino acid substitution p.Ala335Gly. To our knowledge, this variant has not been reported in the literature. This variant is reported in 0.0029% of alleles in individuals of Latino descent in gnomAD. At this time, the clinical significance of this variant is uncertain due to the absence of conclusive functional and genetic evidence.

NM_004750.5(CRLF1):c.1004C>G (p.Ala335Gly)

Gene: CRLF1 (cytokine receptor like factor 1; minus strand). Cytogenetic location: 19p13.11.
Variant type: single nucleotide variant.
Coding change: c.1004C>G on transcript NM_004750.5 (MANE Select); coding-DNA position 1004, C replaced by G.
Protein change: p.Ala335Gly; replaces alanine 335 with glycine.
Molecular consequence: missense variant.
Genome position (GRCh38, 1-based): chr19:18,596,642, G>C on the plus strand (C>G on the coding strand, the complement: CRLF1 is on the minus strand). VCF-style: chr19-18596642-G-C. GRCh37 (hg19) VCF-style: chr19-18707452-G-C.
Other names: short protein forms A335G.
Identifiers: ClinVar variation 4983842 (VCV004983842.1).